The following is an entry in ClinVar:

ClinVar aggregate classification (germline): Conflicting classifications of pathogenicity. Review status: criteria provided, conflicting classifications (1 of 4 stars). 3 submissions from 3 submitters: Uncertain significance (1); Likely benign (2). Last evaluated 2024-08-05.

Conditions:
Hereditary spastic paraplegia 11. Also called: Nakamura Osame syndrome; Autosomal recessive hereditary spastic paraplegia, mental impairment, and thin corpus callosum; SPASTIC PARAPLEGIA, AUTOSOMAL RECESSIVE, COMPLICATED, WITH THIN CORPUS CALLOSUM; SPASTIC PARAPLEGIA, AUTOSOMAL RECESSIVE, WITH MENTAL IMPAIRMENT AND THIN CORPUS CALLOSUM; Spastic paraplegia, mental retardation and thin corpus callosum; Spastic Paraplegia 11. Identifiers: Orphanet 2822, MedGen C1858479, MONDO:0011445, OMIM 604360.

Allele frequency attached by ClinVar (database versions not stated): gnomAD exomes below 0.00001; gnomAD 0.00001; TOPMed 0.00002.
gnomAD v4.1: 6 of 1,597,828 alleles (0.00038%); highest among the groups gnomAD compares: African/African-American, 0.004%; no homozygotes.

Submissions (3):

Labcorp Genetics (formerly Invitae), Labcorp
Classification: Likely benign for Hereditary spastic paraplegia 11. Last evaluated: 2024-08-05. Review status: criteria provided, single submitter. Criteria: Invitae Variant Classification Sherloc (09022015). Collection method: clinical testing. Allele origin: germline.

CeGaT Center for Human Genetics Tuebingen
Classification: Uncertain significance. Last evaluated: 2024-02-01. Review status: criteria provided, single submitter. Criteria: CeGaT Center For Human Genetics Tuebingen Variant Classification Criteria Version 2. Collection method: clinical testing. Allele origin: germline. Affected: yes. Observed: 1 variant allele.
Comment: SPG11: PM2, BP4

Blueprint Genetics
Classification: Likely benign. Last evaluated: 2019-12-13. Review status: criteria provided, single submitter. Criteria: ACMG Guidelines, 2015. Collection method: clinical testing. Allele origin: germline.

NM_025137.4(SPG11):c.2621-6A>G

Gene: SPG11 (SPG11 vesicle trafficking associated, spatacsin; minus strand). Cytogenetic location: 15q21.1.
Variant type: single nucleotide variant.
Coding change: c.2621-6A>G on transcript NM_025137.4 (MANE Select); 6 bases into the intron before coding-DNA position 2621, A replaced by G.
Molecular consequence: intron variant.
Genome position (GRCh38, 1-based): chr15:44,620,409, T>C on the plus strand (A>G on the coding strand, the complement: SPG11 is on the minus strand). VCF-style: chr15-44620409-T-C. GRCh37 (hg19) VCF-style: chr15-44912607-T-C.
Other names: c.2621-6A>G (NM_001411132.1, NM_001160227.2).
Identifiers: ClinVar variation 2891751 (VCV002891751.26), dbSNP rs753436106, ClinGen allele CA270072416.
Genomic context (GRCh38, chr15:44,620,409, plus strand): 5'-TCATGGCGAGCTGTGAGGTATCTCCAGAGGGCTTCAGGGGAATATGATTTGTATTCTACA[T>C]GAAAAAAAACACATTTTAAAATATAATTAATTATGTCTATTGACATGTAACTCAACACTA-3'